The following is an entry in ClinVar:

ClinVar aggregate classification (germline): Likely benign. Review status: criteria provided, multiple submitters, no conflicts (2 of 4 stars). 4 submissions from 4 submitters: Likely benign (4). Last evaluated 2026-05-29.

Conditions:
Hereditary nonpolyposis colorectal neoplasms. Identifiers: MedGen C0009405, MeSH D003123.
Lynch syndrome 4 (LYNCH4). Also called: Hereditary non-polyposis colorectal cancer, type 4; Colorectal cancer, hereditary nonpolyposis, type 4. Identifiers: Orphanet 144, MedGen C1838333, MONDO:0013699, OMIM 614337. Disease mechanism: loss of function.

Allele frequency attached by ClinVar (database versions not stated): gnomAD exomes 0.00001.

Submissions (4):

Women's Health and Genetics/Laboratory Corporation of America, LabCorp
Classification: Likely benign. Last evaluated: 2026-05-29. Review status: criteria provided, single submitter. Criteria: LabCorp Variant Classification Summary - May 2015. Collection method: clinical testing. Allele origin: germline.
Comment: Variant summary: PMS2 c.2175-9G>A alters a nucleotide located at a position not widely known to affect splicing. One computation tool predicts no significant impact on normal splicing (TraP). However, these predictions have yet to be confirmed by functional studies. The variant allele was found at a frequency of 1.4e-05 in 219566 control chromosomes. The available data on variant occurrences in the general population are insufficient to allow any conclusion about variant significance. To our knowledge, no occurrence of c.2175-9G>A in individuals affected with PMS2-related conditions and no experimental evidence demonstrating its impact on protein function have been reported. ClinVar contains an entry for this variant (Variation ID: 385767). Based on the evidence outlined above, the variant was classified as likely benign.

Labcorp Genetics (formerly Invitae), Labcorp
Classification: Likely benign for Hereditary nonpolyposis colorectal neoplasms. Last evaluated: 2025-11-30. Review status: criteria provided, single submitter. Criteria: Invitae Variant Classification Sherloc (09022015). Collection method: clinical testing. Allele origin: germline.

Myriad Genetics, Inc.
Classification: Likely benign for Lynch syndrome 4. Last evaluated: 2025-02-03. Review status: criteria provided, single submitter. Criteria: Myriad Autosomal Dominant, Autosomal Recessive and X-Linked Classification Criteria (2023). Collection method: clinical testing. Allele origin: unknown.
Comment: This variant is considered likely benign. This variant is intronic and is not expected to impact mRNA splicing.

GeneDx
Classification: Likely benign. Last evaluated: 2016-04-25. Review status: criteria provided, single submitter. Criteria: GeneDx Variant Classification (06012015). Collection method: clinical testing. Allele origin: germline. Affected: yes.
Comment: This variant is considered likely benign or benign based on one or more of the following criteria: it is a conservative change, it occurs at a poorly conserved position in the protein, it is predicted to be benign by multiple in silico algorithms, and/or has population frequency not consistent with disease.

NM_000535.7(PMS2):c.2175-9G>A

Gene: PMS2 (PMS1 homolog 2, mismatch repair system component; minus strand). Cytogenetic location: 7p22.1.
Variant type: single nucleotide variant.
Coding change: c.2175-9G>A on transcript NM_000535.7 (MANE Select); 9 bases into the intron before coding-DNA position 2175, G replaced by A.
Molecular consequence: intron variant.
Genome position (GRCh38, 1-based): chr7:5,978,705, C>T on the plus strand (G>A on the coding strand, the complement: PMS2 is on the minus strand). VCF-style: chr7-5978705-C-T. GRCh37 (hg19) VCF-style: chr7-6018336-C-T.
Other names: c.1857-9G>A (NM_001322008.2, NM_001322007.2); c.1614-9G>A (NM_001322010.2); c.1770-9G>A (NM_001322004.2, NM_001322003.2, NM_001322009.2 and 1 more transcripts); c.1602-9G>A (NM_001322013.2); c.1242-9G>A (NM_001322012.2, NM_001322011.2); c.1866-9G>A (NM_001322015.2); c.2019-9G>A (NM_001322006.2); c.2175-9G>A (NM_001322014.2).
Identifiers: ClinVar variation 385767 (VCV000385767.14), dbSNP rs1057522324, ClinGen allele CA16605345.